The following is an entry in ClinVar:

ClinVar aggregate classification (germline): Uncertain significance. Review status: criteria provided, multiple submitters, no conflicts (2 of 4 stars). 5 submissions from 5 submitters: Uncertain significance (5). Last evaluated 2026-05-28.

Conditions:
Congenital contractural arachnodactyly (CCA). Also called: Beals-Hecht syndrome; Arthrogryposis, distal, type 9; BEALS SYNDROME. Identifiers: Orphanet 115, MedGen C0220668, MONDO:0007363, OMIM 121050.
Familial thoracic aortic aneurysm and aortic dissection (TAAD). Also called: Thoracic aortic aneurysms and dissections. Identifiers: Orphanet 91387, MedGen C4707243, MONDO:0019625.

Allele frequency attached by ClinVar (database versions not stated): gnomAD 0.00001; TOPMed 0.00001.
gnomAD v4.1: 23 of 1,613,800 alleles (0.0014%); highest among the groups gnomAD compares: South Asian, 0.0044%; 1 homozygote.

Submissions (5):

Ambry Genetics
Classification: Uncertain significance for Familial thoracic aortic aneurysm and aortic dissection. Last evaluated: 2026-05-28. Review status: criteria provided, single submitter. Criteria: Ambry Variant Classification Scheme 2023. Collection method: clinical testing. Allele origin: germline.
Comment: The p.G192R variant (also known as c.574G>A), located in coding exon 5 of the FBN2 gene, results from a G to A substitution at nucleotide position 574. The glycine at codon 192 is replaced by arginine, an amino acid with dissimilar properties. This amino acid position is conserved. In addition, this alteration is predicted to be deleterious by in silico analysis. Based on the available evidence, the clinical significance of this variant remains unclear.

Blueprint Genetics
Classification: Uncertain significance. Last evaluated: 2024-02-21. Review status: criteria provided, single submitter. Criteria: ACMG Guidelines, 2015. Collection method: clinical testing. Allele origin: germline.

Labcorp Genetics (formerly Invitae), Labcorp
Classification: Uncertain significance for Congenital contractural arachnodactyly. Last evaluated: 2022-09-24. Review status: criteria provided, single submitter. Criteria: Invitae Variant Classification Sherloc (09022015). Collection method: clinical testing. Allele origin: germline.
Comment: This sequence change replaces glycine, which is neutral and non-polar, with arginine, which is basic and polar, at codon 192 of the FBN2 protein (p.Gly192Arg). This variant is present in population databases (rs376398925, gnomAD 0.006%). This variant has not been reported in the literature in individuals affected with FBN2-related conditions. ClinVar contains an entry for this variant (Variation ID: 861610). Advanced modeling of protein sequence and biophysical properties (such as structural, functional, and spatial information, amino acid conservation, physicochemical variation, residue mobility, and thermodynamic stability) has been performed at Invitae for this missense variant, however the output from this modeling did not meet the statistical confidence thresholds required to predict the impact of this variant on FBN2 protein function. Algorithms developed to predict the effect of sequence changes on RNA splicing suggest that this variant may create or strengthen a splice site. In summary, the available evidence is currently insufficient to determine the role of this variant in disease. Therefore, it has been classified as a Variant of Uncertain Significance.

CeGaT Center for Human Genetics Tuebingen
Classification: Uncertain significance. Last evaluated: 2021-03-01. Review status: criteria provided, single submitter. Criteria: CeGaT Center For Human Genetics Tuebingen Variant Classification Criteria Version 2. Collection method: clinical testing. Allele origin: germline. Affected: yes. Observed: 1 variant allele.

GeneDx
Classification: Uncertain significance. Last evaluated: 2020-04-02. Review status: criteria provided, single submitter. Criteria: GeneDx Variant Classification Process June 2021. Collection method: clinical testing. Allele origin: germline. Affected: yes.
Comment: Has not been previously published as pathogenic or benign to our knowledge; Not observed at a significant frequency in large population cohorts (Lek et al., 2016); In silico analysis, which includes protein predictors and evolutionary conservation, supports a deleterious effect; Although located in a calcium-binding EGF-like domain of the FBN2 gene, it does not affect a cysteine residue within this domain; cysteine substitutions in the calcium-binding EGF-like domains represent the majority of pathogenic missense changes associated with FBN2-related disorders (Collod-Beroud et al., 2003; Frederic et al., 2009)

NM_001999.4(FBN2):c.574G>A (p.Gly192Arg)

Gene: FBN2 (fibrillin 2; minus strand). Cytogenetic location: 5q23.3.
Variant type: single nucleotide variant.
Coding change: c.574G>A on transcript NM_001999.4 (MANE Select); coding-DNA position 574, G replaced by A.
Protein change: p.Gly192Arg; replaces glycine 192 with arginine.
Molecular consequence: missense variant.
Genome position (GRCh38, 1-based): chr5:128,519,327, C>T on the plus strand (G>A on the coding strand, the complement: FBN2 is on the minus strand). VCF-style: chr5-128519327-C-T. GRCh37 (hg19) VCF-style: chr5-127855020-C-T.
Other names: short protein forms G192R.
Identifiers: ClinVar variation 861610 (VCV000861610.47), dbSNP rs376398925, ClinGen allele CA3396069.